The following is an entry in ClinVar:

ClinVar aggregate classification (germline): Benign/Likely benign. Review status: criteria provided, multiple submitters, no conflicts (2 of 4 stars). 4 submissions from 4 submitters: Benign (1); Likely benign (3). Last evaluated 2025-10-27.

Allele frequency attached by ClinVar (database versions not stated): gnomAD 0.00004; TOPMed 0.00004; gnomAD exomes 0.00009; ExAC 0.00028.
gnomAD v4.1: 124 of 1,532,344 alleles (0.0081%); highest among the groups gnomAD compares: Non-Finnish European, 0.0092%; no homozygotes.

Submissions (4):

Labcorp Genetics (formerly Invitae), Labcorp
Classification: Likely benign. Last evaluated: 2025-10-27. Review status: criteria provided, single submitter. Criteria: Invitae Variant Classification Sherloc (09022015). Collection method: clinical testing. Allele origin: germline.

Blueprint Genetics
Classification: Likely benign. Last evaluated: 2024-11-04. Review status: criteria provided, single submitter. Criteria: ACMG Guidelines, 2015. Collection method: clinical testing. Allele origin: germline.

CeGaT Center for Human Genetics Tuebingen
Classification: Likely benign. Last evaluated: 2024-03-01. Review status: criteria provided, single submitter. Criteria: CeGaT Center For Human Genetics Tuebingen Variant Classification Criteria Version 2. Collection method: clinical testing. Allele origin: germline. Affected: yes. Observed: 1 variant allele.
Comment: NOTCH3: BP4, BP7

Athena Diagnostics
Classification: Benign. Last evaluated: 2023-10-11. Review status: criteria provided, single submitter. Criteria: Athena Diagnostics Criteria. Collection method: clinical testing. Allele origin: unknown.

NM_000435.3(NOTCH3):c.6324G>A (p.Pro2108=)

Gene: NOTCH3 (notch receptor 3; minus strand). Cytogenetic location: 19p13.12.
Variant type: single nucleotide variant.
Coding change: c.6324G>A on transcript NM_000435.3 (MANE Select); coding-DNA position 6324, G replaced by A.
Protein change: p.Pro2108=; no amino-acid change (proline 2108 retained).
Molecular consequence: synonymous variant.
Genome position (GRCh38, 1-based): chr19:15,161,304, C>T on the plus strand (G>A on the coding strand, the complement: NOTCH3 is on the minus strand). VCF-style: chr19-15161304-C-T. GRCh37 (hg19) VCF-style: chr19-15272115-C-T.
Identifiers: ClinVar variation 741022 (VCV000741022.31), dbSNP rs776858941, ClinGen allele CA9262383.